The following is an entry in ClinVar:

ClinVar aggregate classification (germline): Uncertain significance (1 of 4 stars; one submission).

Allele frequency attached by ClinVar (database versions not stated): gnomAD exomes below 0.00001.
gnomAD v4.1: 2 of 1,614,232 alleles (0.00012%); highest among the groups gnomAD compares: South Asian, 0.0011%; no homozygotes.

Submission:

Athena Diagnostics
Classification: Uncertain significance. Last evaluated: 2023-04-25. Review status: criteria provided, single submitter. Criteria: Athena Diagnostics Criteria. Collection method: clinical testing. Allele origin: unknown.
Comment: Available data are insufficient to determine the clinical significance of the variant at this time. The frequency of this variant in the general population is uninformative in assessment of its pathogenicity. Computational tools predict that this variant is not damaging.

NM_182961.4(SYNE1):c.15808A>G (p.Met5270Val)

Gene: SYNE1 (spectrin repeat containing nuclear envelope protein 1; minus strand). Cytogenetic location: 6q25.2.
Variant type: single nucleotide variant.
Coding change: c.15808A>G on transcript NM_182961.4 (MANE Select); coding-DNA position 15808, A replaced by G.
Protein change: p.Met5270Val; replaces methionine 5270 with valine.
Molecular consequence: missense variant.
Genome position (GRCh38, 1-based): chr6:152,323,587, T>C on the plus strand (A>G on the coding strand, the complement: SYNE1 is on the minus strand). VCF-style: chr6-152323587-T-C. GRCh37 (hg19) VCF-style: chr6-152644722-T-C.
Other names: c.15595A>G, p.Met5199Val (NM_033071.5); short protein forms M5199V, M5270V.
Identifiers: ClinVar variation 2684033 (VCV002684033.1), dbSNP rs1415096430, ClinGen allele CA366089950.
Genomic context (GRCh38, chr6:152,323,587, plus strand): 5'-CTTCCCCAGGGGTTGGGGCGGCTCCATCCTGGAGCATGCTCAGGGTTTGCTGCCGCAGCA[T>C]GCCCAAGGCCGACTGCTGCTGCTCCAGCTCCAGAACGAACGTGTCGTGGTATTCAAGAAG-3'
Protein context (NP_892006.3, residues 5260-5280): ELEQQQSALG[Met5270Val]LRQQTLSMLQ